The following is an entry in ClinVar:

NM_001099403.2(PRDM8):c.543A>T (p.Arg181Ser)

Genes: PRDM8 (PR/SET domain 8; plus strand), LOC126807094 (CDK7 strongly-dependent group 2 enhancer GRCh37_chr4:81121978-81123177; plus strand). Cytogenetic location: 4q21.21.
Variant type: single nucleotide variant.
Coding change: c.543A>T on transcript NM_001099403.2 (MANE Select); coding-DNA position 543, A replaced by T.
Protein change: p.Arg181Ser; replaces arginine 181 with serine.
Molecular consequence: missense variant.
Genome position (GRCh38, 1-based): chr4:80,202,005, A>T. VCF-style: chr4-80202005-A-T. GRCh37 (hg19) VCF-style: chr4-81123159-A-T.
Other names: c.543A>T, p.Arg181Ser (NM_020226.4); short protein forms R181S.
Identifiers: ClinVar variation 565549 (VCV000565549.9), dbSNP rs377755509, ClinGen allele CA2982269.

ClinVar aggregate classification (germline): Uncertain significance (1 of 4 stars; one submission).

Conditions:
Early-onset Lafora body disease. Also called: Epilepsy, progressive myoclonic, 10. Identifiers: Orphanet 324290, MedGen C4225258, MONDO:0014717, OMIM 616640.

Allele frequency attached by ClinVar (database versions not stated): gnomAD exomes below 0.00001; ExAC 0.00001; gnomAD 0.00001; TOPMed 0.00001; ESP Exome Variant Server 0.00008.

Submission:

Labcorp Genetics (formerly Invitae), Labcorp
Classification: Uncertain significance for Early-onset Lafora body disease. Last evaluated: 2020-01-27. Review status: criteria provided, single submitter. Criteria: Invitae Variant Classification Sherloc (09022015). Collection method: clinical testing. Allele origin: germline.
Comment: Algorithms developed to predict the effect of missense changes on protein structure and function are either unavailable or do not agree on the potential impact of this missense change (SIFT: "Tolerated"; PolyPhen-2: "Possibly Damaging"; Align-GVGD: "Class C0"). In summary, the available evidence is currently insufficient to determine the role of this variant in disease. Therefore, it has been classified as a Variant of Uncertain Significance. This variant has not been reported in the literature in individuals with PRDM8-related disease. This variant is present in population databases (rs377755509, ExAC 0.002%). This sequence change replaces arginine with serine at codon 181 of the PRDM8 protein (p.Arg181Ser). The arginine residue is highly conserved and there is a moderate physicochemical difference between arginine and serine.